The following is an entry in ClinVar:

NM_173660.5(DOK7):c.1402G>T (p.Gly468Cys)

Gene: DOK7 (docking protein 7; plus strand). Cytogenetic location: 4p16.3.
Variant type: single nucleotide variant.
Coding change: c.1402G>T on transcript NM_173660.5 (MANE Select); coding-DNA position 1402, G replaced by T.
Protein change: p.Gly468Cys; replaces glycine 468 with cysteine.
Molecular consequence: missense variant. On other transcripts: 3 prime UTR variant (1).
Genome position (GRCh38, 1-based): chr4:3,493,388, G>T. VCF-style: chr4-3493388-G-T. GRCh37 (hg19) VCF-style: chr4-3495115-G-T.
Other names: c.*623G>T (NM_001164673.2); c.472G>T, p.Gly158Cys (NM_001256896.2); c.1402G>T, p.Gly468Cys (NM_001301071.2); c.970G>T, p.Gly324Cys (NM_001363811.2); short protein forms G158C, G324C, G468C.
Identifiers: ClinVar variation 2684177 (VCV002684177.1), dbSNP rs774716969, ClinGen allele CA2829503.

ClinVar aggregate classification (germline): Uncertain significance (1 of 4 stars; one submission).

gnomAD v4.1: 1 of 1,595,036 alleles (0.000063%); highest among the groups gnomAD compares: Non-Finnish European, 0.000085%; no homozygotes.

Submission:

Athena Diagnostics
Classification: Uncertain significance. Last evaluated: 2022-10-10. Review status: criteria provided, single submitter. Criteria: Athena Diagnostics Criteria. Collection method: clinical testing. Allele origin: unknown.
Comment: Available data are insufficient to determine the clinical significance of the variant at this time. This variant has not been reported in large, multi-ethnic general populations. Computational tools predict that this variant is not damaging.